The following is an entry in ClinVar:

NM_000124.4(ERCC6):c.4144G>A (p.Gly1382Arg)

Gene: ERCC6 (ERCC excision repair 6, chromatin remodeling factor; minus strand). Cytogenetic location: 10q11.23.
Variant type: single nucleotide variant.
Coding change: c.4144G>A on transcript NM_000124.4 (MANE Select); coding-DNA position 4144, G replaced by A.
Protein change: p.Gly1382Arg; replaces glycine 1382 with arginine.
Molecular consequence: missense variant.
Genome position (GRCh38, 1-based): chr10:49,459,153, C>T on the plus strand (G>A on the coding strand, the complement: ERCC6 is on the minus strand). VCF-style: chr10-49459153-C-T. GRCh37 (hg19) VCF-style: chr10-50667199-C-T.
Other names: c.4144G>A, p.Gly1382Arg (NM_001346440.2); short protein forms G1382R.
Identifiers: ClinVar variation 1183820 (VCV001183820.14), dbSNP rs4253228, ClinGen allele CA5495165.

ClinVar aggregate classification (germline): Conflicting classifications of pathogenicity. Review status: criteria provided, conflicting classifications (1 of 4 stars). 5 submissions from 5 submitters: Uncertain significance (4); Likely benign (1). Last evaluated 2026-02-01.

Conditions:
Inborn genetic diseases. Identifiers: MedGen C0950123, MeSH D030342.

Allele frequency attached by ClinVar (database versions not stated): gnomAD exomes 0.00004 and 0.00012; 1000 Genomes Project 30x 0.00016; ExAC 0.00016; 1000 Genomes Project 0.00020; gnomAD 0.00045 and 0.00048; ESP Exome Variant Server 0.00046; TOPMed 0.00049.
gnomAD v4.1: 132 of 1,614,126 alleles (0.0082%); highest among the groups gnomAD compares: African/African-American, 0.13%; no homozygotes.

Submissions (5):

Labcorp Genetics (formerly Invitae), Labcorp
Classification: Likely benign. Last evaluated: 2026-02-01. Review status: criteria provided, single submitter. Criteria: Invitae Variant Classification Sherloc (09022015). Collection method: clinical testing. Allele origin: germline.

Women's Health and Genetics/Laboratory Corporation of America, LabCorp
Classification: Uncertain significance. Last evaluated: 2025-06-26. Review status: criteria provided, single submitter. Criteria: LabCorp Variant Classification Summary - May 2015. Collection method: clinical testing. Allele origin: germline.
Comment: Variant summary: ERCC6 c.4144G>A (p.Gly1382Arg) results in a non-conservative amino acid change in the encoded protein sequence. Algorithms developed to predict the effect of missense changes on protein structure and function are either unavailable or do not agree on the potential impact of this missense change. The variant allele was found at a frequency of 0.00012 in 250968 control chromosomes (gnomAD). This frequency is not significantly higher than estimated for a pathogenic variant in ERCC6 causing Cerebrooculofacioskeletal Syndrome 1, allowing no conclusion about variant significance. To our knowledge, no occurrence of c.4144G>A in individuals affected with Cerebrooculofacioskeletal Syndrome 1 and no experimental evidence demonstrating its impact on protein function have been reported. ClinVar contains an entry for this variant (Variation ID: 1183820). Based on the evidence outlined above, the variant was classified as uncertain significance.

Blueprint Genetics
Classification: Uncertain significance. Last evaluated: 2024-07-15. Review status: criteria provided, single submitter. Criteria: ACMG Guidelines, 2015. Collection method: clinical testing. Allele origin: germline.

GeneDx
Classification: Uncertain significance. Last evaluated: 2024-05-20. Review status: criteria provided, single submitter. Criteria: GeneDx Variant Classification Process June 2021. Collection method: clinical testing. Allele origin: germline. Affected: yes.
Comment: In silico analysis indicates that this missense variant does not alter protein structure/function; Has not been previously published as pathogenic or benign to our knowledge

Ambry Genetics
Classification: Uncertain significance for Inborn genetic diseases. Last evaluated: 2021-12-15. Review status: criteria provided, single submitter. Criteria: Ambry Variant Classification Scheme 2023. Collection method: clinical testing. Allele origin: germline.